The following is an entry in ClinVar:

ClinVar aggregate classification (germline): Uncertain significance (1 of 4 stars; one submission).

Conditions:
Charcot-Marie-Tooth disease axonal type 2Z. Also called: CHARCOT-MARIE-TOOTH DISEASE, AXONAL, AUTOSOMAL DOMINANT, TYPE 2Z; CHARCOT-MARIE-TOOTH NEUROPATHY, TYPE 2Z. Identifiers: Orphanet 466768, MedGen C5569025, MONDO:0014736, OMIM 616688.

Submission:

Labcorp Genetics (formerly Invitae), Labcorp
Classification: Uncertain significance for Charcot-Marie-Tooth disease axonal type 2Z. Last evaluated: 2021-11-08. Review status: criteria provided, single submitter. Criteria: Invitae Variant Classification Sherloc (09022015). Collection method: clinical testing. Allele origin: germline.
Comment: In summary, the available evidence is currently insufficient to determine the role of this variant in disease. Therefore, it has been classified as a Variant of Uncertain Significance. Algorithms developed to predict the effect of missense changes on protein structure and function are either unavailable or do not agree on the potential impact of this missense change (SIFT: "Not Available"; PolyPhen-2: "Benign"; Align-GVGD: "Not Available"). This variant has not been reported in the literature in individuals affected with MORC2-related conditions. This variant is not present in population databases (gnomAD no frequency). This sequence change replaces alanine, which is neutral and non-polar, with serine, which is neutral and polar, at codon 359 of the MORC2 protein (p.Ala359Ser).

NM_001303256.3(MORC2):c.1075G>T (p.Ala359Ser)

Gene: MORC2 (MORC family CW-type zinc finger 2; minus strand). Cytogenetic location: 22q12.2.
Variant type: single nucleotide variant.
Coding change: c.1075G>T on transcript NM_001303256.3 (MANE Select); coding-DNA position 1075, G replaced by T.
Protein change: p.Ala359Ser; replaces alanine 359 with serine.
Molecular consequence: missense variant.
Genome position (GRCh38, 1-based): chr22:30,938,204, C>A on the plus strand (G>T on the coding strand, the complement: MORC2 is on the minus strand). VCF-style: chr22-30938204-C-A. GRCh37 (hg19) VCF-style: chr22-31334191-C-A.
Other names: c.1075G>T, p.Ala359Ser (NM_001303257.2); c.889G>T, p.Ala297Ser (NM_014941.3); short protein forms A297S, A359S.
Identifiers: ClinVar variation 1378870 (VCV001378870.6), dbSNP rs2147257419, ClinGen allele CA411239642.